The following is an entry in ClinVar:

NC_000005.10:g.112707352G>T

Gene: APC (APC regulator of Wnt signaling pathway; plus strand). Cytogenetic location: 5q22.2.
Variant type: single nucleotide variant.
Genome position: GRCh38 VCF-style: chr5-112707352-G-T. GRCh37 (hg19) VCF-style: chr5-112043049-G-T.
Identifiers: ClinVar variation 1518218 (VCV001518218.6), dbSNP rs1750550976, ClinGen allele CA1573442191.

ClinVar aggregate classification (germline): Uncertain significance (1 of 4 stars; one submission).

Conditions:
Familial adenomatous polyposis 1 (FAP1). Also called: FAMILIAL ADENOMATOUS POLYPOSIS 1, ATTENUATED; POLYPOSIS, ADENOMATOUS INTESTINAL. Identifiers: MedGen C2713442, MONDO:0021056, OMIM 175100. Disease mechanism: loss of function.

Submission:

Labcorp Genetics (formerly Invitae), Labcorp
Classification: Uncertain significance for Familial adenomatous polyposis 1. Last evaluated: 2021-01-21. Review status: criteria provided, single submitter. Criteria: Invitae Variant Classification Sherloc (09022015). Collection method: clinical testing. Allele origin: germline.
Comment: In summary, the available evidence is currently insufficient to determine the role of this variant in disease. Therefore, it has been classified as a Variant of Uncertain Significance. Experimental studies and prediction algorithms are not available or were not evaluated, and the functional significance of this variant is currently unknown. This variant has not been reported in the literature in individuals with APC-related conditions. The frequency data for this variant in the population databases is considered unreliable, as metrics indicate insufficient coverage at this position in the ExAC database. This variant occurs in a non-coding region of the APC gene. It does not change the encoded amino acid sequence of the APC protein.